The following is an entry in ClinVar:

ClinVar aggregate classification (germline): Pathogenic (1 of 4 stars; one submission).

Conditions:
Neurodegeneration with brain iron accumulation 5 (NBIA5). Also called: Beta-propeller protein-associated neurodegeneration; STATIC ENCEPHALOPATHY OF CHILDHOOD WITH NEURODEGENERATION IN ADULTHOOD. Identifiers: Orphanet 329284, MedGen C3550973, MONDO:0010476, OMIM 300894.

Submission:

Labcorp Genetics (formerly Invitae), Labcorp
Classification: Pathogenic for Neurodegeneration with brain iron accumulation 5. Last evaluated: 2022-04-13. Review status: criteria provided, single submitter. Criteria: Invitae Variant Classification Sherloc (09022015). Collection method: clinical testing. Allele origin: germline.
Comment: This variant is not present in population databases (gnomAD no frequency). For these reasons, this variant has been classified as Pathogenic. Studies have shown that this variant is associated with altered splicing resulting in unknown protein product impact (PMID: 29681108). This variant has been observed in individual(s) with clinical features of epileptic encephalopathy with cerebellar atrophy and/or neurodegeneration with brain iron accumulation (PMID: 29681108; Invitae). In at least one individual the variant was observed to be de novo. This sequence change falls in intron 5 of the WDR45 gene. It does not directly change the encoded amino acid sequence of the WDR45 protein.

Literature cited by the submitters: PubMed 29681108.

NM_001029896.2(WDR45):c.236-21A>G

Gene: WDR45 (WD repeat domain 45; minus strand). Cytogenetic location: Xp11.23.
Variant type: single nucleotide variant.
Coding change: c.236-21A>G on transcript NM_001029896.2 (MANE Select); 21 bases into the intron before coding-DNA position 236, A replaced by G.
Molecular consequence: intron variant.
Genome position (GRCh38, 1-based): chrX:49,076,771, T>C on the plus strand (A>G on the coding strand, the complement: WDR45 is on the minus strand). VCF-style: chrX-49076771-T-C. GRCh37 (hg19) VCF-style: chrX-48934430-T-C.
Other names: c.236-18A>G (NM_007075.4).
Identifiers: ClinVar variation 1486731 (VCV001486731.6), dbSNP rs2147816654, ClinGen allele CA412948731.
Genomic context (GRCh38, chrX:49,076,771, plus strand): 5'-TTGGAGTCCTTGCCCTCCCGGGCATCGTCCCAGATCAGCACTGCTGGGCAGGTGGGTGGG[T>C]TGTCGGGGCCAAGGTTTAGGGTAAGGGGCAGCCCTGGTGACACAGGATCCACCCCTGCTT-3'